The following is an entry in ClinVar:

ClinVar aggregate classification (germline): Pathogenic. Review status: criteria provided, multiple submitters, no conflicts (2 of 4 stars). 8 submissions from 8 submitters: Pathogenic (8). Last evaluated 2026-02-03.

Conditions:
3-methylcrotonyl-CoA carboxylase 1 deficiency (MCC1D). Also called: MCCD TYPE 1; METHYLCROTONYLGLYCINURIA TYPE I; MCC 1 deficiency; 3 Alpha methylcrotonylglycinuria 1. Identifiers: Orphanet 6, MedGen CN028786, MONDO:0008861, OMIM 210200.
MCCC1-related disorder. Also called: MCCC1-related condition.

Submissions (8):

Labcorp Genetics (formerly Invitae), Labcorp
Classification: Pathogenic for 3-methylcrotonyl-CoA carboxylase 1 deficiency. Last evaluated: 2026-02-03. Review status: criteria provided, single submitter. Criteria: Invitae Variant Classification Sherloc (09022015). Collection method: clinical testing. Allele origin: germline.
Comment: This sequence change creates a premature translational stop signal (p.Asn560Lysfs*10) in the MCCC1 gene. It is expected to result in an absent or disrupted protein product. Loss-of-function variants in MCCC1 are known to be pathogenic (PMID: 11181649, 15359379, 22642865). This variant is not present in population databases (gnomAD no frequency). This premature translational stop signal has been observed in individuals with 3-methylcrotonyl-CoA carboxylase deficiency (PMID: 24078573, 25382614; internal data). This variant is also known as c.1680insA. ClinVar contains an entry for this variant (Variation ID: 542948). For these reasons, this variant has been classified as Pathogenic.

3billion
Classification: Pathogenic for 3-methylcrotonyl-CoA carboxylase 1 deficiency. Last evaluated: 2025-05-21. Review status: criteria provided, single submitter. Criteria: ACMG Guidelines, 2015. Collection method: clinical testing. Allele origin: germline. Affected: yes.
Comment: The variant is observed at an extremely low frequency in the gnomAD v4.1.0 dataset (total allele frequency: <0.001%). Predicted Consequence/Location: Frameshift: predicted to result in a loss or disruption of normal protein function through nonsense-mediated decay (NMD) or protein truncation. Multiple pathogenic variants are reported downstream of the variant. The variant has been reported at least twice as pathogenic with clinical assertions and evidence for the classification (ClinVar ID: VCV000542948 /PMID: 24078573). Therefore, this variant is classified as Pathogenic according to the recommendation of ACMG/AMP guideline.

Natera, Inc.
Classification: Pathogenic for 3-methylcrotonyl-CoA carboxylase 1 deficiency. Last evaluated: 2025-01-28. Review status: criteria provided, single submitter. Criteria: Natera Variant Classification Schema (03/2026). Collection method: clinical testing. Allele origin: germline.
Comment: The c.1679dupA variant in MCCC1 is a frameshift variant predicted to shift the reading frame beginning at codon 560 and leads to a stop codon 10 codons downstream. This variant is expected to result in nonsense mediated decay, truncation, or a dysfunctional protein product. This variant is rare in the general population with a frequency below the threshold expected for the associated phenotype(s). This variant has been observed in one or more individuals affected with the associated recessive disease, as either homozygous or compound heterozygous with a second variant (PMID: 25382614). Given the available evidence, this variant is classified as Pathogenic.

Baylor Genetics
Classification: Pathogenic for 3-methylcrotonyl-CoA carboxylase 1 deficiency. Last evaluated: 2024-03-30. Review status: criteria provided, single submitter. Criteria: ACMG Guidelines, 2015. Collection method: clinical testing. Allele origin: unknown.

Revvity Omics, Revvity
Classification: Pathogenic for 3-methylcrotonyl-CoA carboxylase 1 deficiency. Last evaluated: 2023-10-10. Review status: criteria provided, single submitter. Criteria: ACMG Guidelines, 2015. Collection method: clinical testing. Allele origin: germline.

PreventionGenetics, part of Exact Sciences
Classification: Pathogenic for MCCC1-related condition. Last evaluated: 2023-01-17. Review status: criteria provided, single submitter. Criteria: ACMG Guidelines, 2015. Collection method: clinical testing. Allele origin: germline.
Comment: The MCCC1 c.1679dupA variant is predicted to result in a frameshift and premature protein termination (p.Asn560Lysfs*10). This variant was reported to be causative for 3-methylcrotonyl-CoA carboxylase deficiency (Wu et al. 2019. PubMed ID: 31901042; Liu et al. 2021. PubMed ID: 34539730). This variant has not been reported in a large population database, indicating this variant is rare. Frameshift variants in MCCC1 are expected to be pathogenic. This variant is interpreted as pathogenic.

Beijing Key Laboratry for Genetics of Birth Defects, Beijing Children's Hospital
Classification: Pathogenic for 3-methylcrotonyl-CoA carboxylase 1 deficiency. Last evaluated: 2020-02-28. Review status: criteria provided, single submitter. Criteria: ACMG Guidelines, 2015. Collection method: clinical testing. Allele origin: germline. Affected: yes. Observed: 1 variant allele.

Juno Genomics, Hangzhou Juno Genomics, Inc
Classification: Pathogenic for 3-methylcrotonyl-CoA carboxylase 1 deficiency. Review status: criteria provided, single submitter. Criteria: ACMG Guidelines, 2015. Collection method: clinical testing. Allele origin: germline.
Comment: Absent from controls (or at extremely low frequency if recessive) in Genome Aggregation Database.;Null variant in a gene where loss of function (LOF) is a known mechanism of disease.;For recessive disorders, detected in trans with a pathogenic variant.;Patient's phenotype or family history is highly specific for a disease with a single genetic etiology.

Literature cited by the submitters: PubMed 11181649 (cited by Labcorp Genetics (formerly Invitae), Labcorp); PubMed 15359379 (cited by Labcorp Genetics (formerly Invitae), Labcorp); PubMed 22642865 (cited by Labcorp Genetics (formerly Invitae), Labcorp); PubMed 24078573 (cited by Labcorp Genetics (formerly Invitae), Labcorp and 3billion); PubMed 25382614 (cited by Labcorp Genetics (formerly Invitae), Labcorp and Natera, Inc.).

NM_020166.5(MCCC1):c.1679dup (p.Asn560fs)

Gene: MCCC1 (methylcrotonyl-CoA carboxylase subunit 1; minus strand). Cytogenetic location: 3q27.1.
Variant type: Duplication.
Coding change: c.1679dup on transcript NM_020166.5 (MANE Select); coding-DNA position 1679, one base duplicated (A; older notation c.1679dupA).
Protein change: p.Asn560fs; shifts the reading frame from asparagine 560.
Molecular consequence: frameshift variant. On other transcripts: non-coding transcript variant (2).
Genome position (GRCh38, 1-based): chr3:183,033,993, T duplicated on the plus strand (A on the coding strand, the reverse complement: MCCC1 is on the minus strand); the first of 5 consecutive T bases (chr3:183,033,993-183,033,997); duplicating any one gives the same sequence. VCF-style (leftmost placement, unchanged base first): chr3-183033992-G-GT. GRCh37 (hg19) VCF-style: chr3-182751780-G-GT.
Other names: c.1679dupA (NM_020166.4); c.1328dup, p.Asn443fs (NM_001293273.2); c.1352dup, p.Asn451fs (NM_001363880.1); short protein forms N443fs, N560fs, N451fs.
Identifiers: ClinVar variation 542948 (VCV000542948.25), dbSNP rs1394547323, ClinGen allele CA658796399.